The following is an entry in ClinVar:

ClinVar aggregate classification (germline): Pathogenic (1 of 4 stars; one submission).

Conditions:
Autism spectrum disorder. Also called: Autism spectrum disorders. Identifiers: MedGen C1510586, MeSH D000067877, MONDO:0005258.

Submission:

Victorian Clinical Genetics Services, Murdoch Childrens Research Institute
Classification: Pathogenic for Autism spectrum disorder. Last evaluated: 2025-07-10. Review status: criteria provided, single submitter. Criteria: ACMG Guidelines, 2015. Collection method: clinical testing. Allele origin: germline.
Comment: This variant is classified as Pathogenic. Evidence in support of pathogenic classification: Variant is predicted to cause nonsense-mediated decay (NMD) and loss of protein (premature termination codon is located at least 54 nucleotides upstream of the final exon-exon junction); Variant is absent from gnomAD (both v2 and v3); Other NMD-predicted variants comparable to the one identified in this case have very strong previous evidence for pathogenicity (PMID: 35917186). Additional information: This variant is heterozygous; This gene is associated with autosomal dominant disease; This variant has no previous evidence of pathogenicity; No published segregation evidence has been identified for this variant; No published functional evidence has been identified for this variant; Loss of function is a suggested mechanism of disease in this gene and is associated with autism spectrum disorder (MONDO#0005258), GIGYF1-related (PMID: 35917186); The condition associated with this gene has incomplete penetrance. A pathogenic variant in this gene has been reported to be inherited from unaffected parents in several families (PMID: 35917186); Parental origin of the variant is unresolved.

Literature cited by the submitters: PubMed 35917186.

NM_001375765.1(GIGYF1):c.658del (p.Arg220fs)

Gene: GIGYF1 (GRB10 interacting GYF protein 1; minus strand). Cytogenetic location: 7q22.1.
Variant type: Deletion.
Coding change: c.658del on transcript NM_001375765.1 (MANE Select); coding-DNA position 658, one base deleted (C; older notation c.658delC).
Protein change: p.Arg220fs; shifts the reading frame from arginine 220.
Molecular consequence: frameshift variant. On other transcripts: non-coding transcript variant (1).
Genome position (GRCh38, 1-based): chr7:100,686,685, G deleted on the plus strand (C on the coding strand, the reverse complement: GIGYF1 is on the minus strand); the first of 4 consecutive G bases (chr7:100,686,685-100,686,688); deleting any one gives the same sequence. VCF-style (leftmost placement, unchanged base first): chr7-100686684-CG-C. GRCh37 (hg19) VCF-style: chr7-100284307-CG-C.
Other names: NM_022574.5:c.658delC; c.658del, p.Arg220fs (NM_001375759.1, NM_001375760.1, NM_001375761.1 and 6 more transcripts); short protein forms R220fs.
Identifiers: ClinVar variation 3377147 (VCV003377147.3).